The following is an entry in ClinVar:

ClinVar aggregate classification (germline): Uncertain significance (1 of 4 stars; one submission).

Conditions:
Dyskeratosis congenita. Identifiers: Orphanet 1775, MedGen C0265965, MONDO:0015780.

Submission:

Ambry Genetics
Classification: Uncertain significance for Dyskeratosis congenita. Last evaluated: 2022-03-01. Review status: criteria provided, single submitter. Criteria: Ambry Variant Classification Scheme 2023. Collection method: clinical testing. Allele origin: germline.
Comment: The p.L675V variant (also known as c.2023C>G), located in coding exon 5 of the TERT gene, results from a C to G substitution at nucleotide position 2023. The leucine at codon 675 is replaced by valine, an amino acid with highly similar properties. This amino acid position is conserved. In addition, the in silico prediction for this alteration is inconclusive. Since supporting evidence is limited at this time, the clinical significance of this alteration remains unclear.

NM_198253.3(TERT):c.2023C>G (p.Leu675Val)

Gene: TERT (telomerase reverse transcriptase; minus strand). Cytogenetic location: 5p15.33.
Variant type: single nucleotide variant.
Coding change: c.2023C>G on transcript NM_198253.3 (MANE Select); coding-DNA position 2023, C replaced by G.
Protein change: p.Leu675Val; replaces leucine 675 with valine.
Molecular consequence: missense variant. On other transcripts: non-coding transcript variant (2).
Genome position (GRCh38, 1-based): chr5:1,279,398, G>C on the plus strand (C>G on the coding strand, the complement: TERT is on the minus strand). VCF-style: chr5-1279398-G-C. GRCh37 (hg19) VCF-style: chr5-1279513-G-C.
Other names: c.2023C>G, p.Leu675Val (NM_001193376.3, NM_003219.1); short protein forms L675V.
Identifiers: ClinVar variation 1784604 (VCV001784604.2), dbSNP rs2478276093, ClinGen allele CA359080366.
Genomic context (GRCh38, chr5:1,279,398, plus strand): 5'-GCACGAAGGTGCGCCAGGCCCTGTGGATATCGTCCAGGCCCAGCACAGAGGCGCCCAGGA[G>C]GCCGGGGCGCCGCGCCCGCTCGTAGTTGAGCACGCTGAACAGTGCCTTCACCCTCGAGGT-3'
Protein context (NP_937983.2, residues 665-685): LNYERARRPG[Leu675Val]LGASVLGLDD